The following is an entry in ClinVar:

ClinVar aggregate classification (germline): Uncertain significance (1 of 4 stars; one submission).

Conditions:
Aortic aneurysm, familial thoracic 7 (AAT7). Also called: AORTIC DISSECTION, FAMILIAL, WITH OR WITHOUT AORTIC ANEURYSM. Identifiers: MedGen C3151077, MONDO:0013418, OMIM 613780.

Submission:

Labcorp Genetics (formerly Invitae), Labcorp
Classification: Uncertain significance for Aortic aneurysm, familial thoracic 7. Last evaluated: 2022-06-16. Review status: criteria provided, single submitter. Criteria: Invitae Variant Classification Sherloc (09022015). Collection method: clinical testing. Allele origin: germline.
Comment: This sequence change falls in intron 17 of the MYLK gene. It does not directly change the encoded amino acid sequence of the MYLK protein. It affects a nucleotide within the consensus splice site. This variant is not present in population databases (gnomAD no frequency). This variant has not been reported in the literature in individuals affected with MYLK-related conditions. Variants that disrupt the consensus splice site are a relatively common cause of aberrant splicing (PMID: 17576681, 9536098). Algorithms developed to predict the effect of sequence changes on RNA splicing suggest that this variant may disrupt the consensus splice site. In summary, the available evidence is currently insufficient to determine the role of this variant in disease. Therefore, it has been classified as a Variant of Uncertain Significance.

Literature cited by the submitters: PubMed 17576681; PubMed 9536098.

NM_053025.4(MYLK):c.2462+6T>C

Gene: MYLK (myosin light chain kinase; minus strand). Cytogenetic location: 3q21.1.
Variant type: single nucleotide variant.
Coding change: c.2462+6T>C on transcript NM_053025.4 (MANE Select); 6 bases into the intron after coding-DNA position 2462, T replaced by C.
Molecular consequence: intron variant.
Genome position (GRCh38, 1-based): chr3:123,701,432, A>G on the plus strand (T>C on the coding strand, the complement: MYLK is on the minus strand). VCF-style: chr3-123701432-A-G. GRCh37 (hg19) VCF-style: chr3-123420279-A-G.
Other names: c.1934+6T>C (NM_001321309.2); c.2255+6T>C (NM_053028.4, NM_053026.4); c.2462+6T>C (NM_053027.4).
Identifiers: ClinVar variation 2007463 (VCV002007463.4), dbSNP rs2474202325, ClinGen allele CA2580068676.
Genomic context (GRCh38, chr3:123,701,432, plus strand): 5'-GCCGGGGCCAGGAGGAAGGTGGGGATGGGGGCATGGCCTGGAGGGGCAGCTCCTGGGGGC[A>G]CTCACCGTGGAAGGGCTCTGGCAGAGCTGTTCTGTAGCATCAGTGACACCTGGCAACTGC-3'